The following is an entry in ClinVar:

NM_000548.5(TSC2):c.2016G>A (p.Pro672=)

Gene: TSC2 (TSC complex subunit 2; plus strand). Cytogenetic location: 16p13.3.
Variant type: single nucleotide variant.
Coding change: c.2016G>A on transcript NM_000548.5 (MANE Select); coding-DNA position 2016, G replaced by A.
Protein change: p.Pro672=; no amino-acid change (proline 672 retained).
Molecular consequence: synonymous variant.
Genome position (GRCh38, 1-based): chr16:2,071,853, G>A. VCF-style: chr16-2071853-G-A. GRCh37 (hg19) VCF-style: chr16-2121854-G-A.
Other names: c.2016G>A, p.Pro672= (NM_001077183.3, NM_001114382.3, NM_001363528.2 and 3 more transcripts); c.1905G>A, p.Pro635= (NM_001318827.2); c.1869G>A, p.Pro623= (NM_001318829.2); c.1416G>A, p.Pro472= (NM_001318831.2); c.2049G>A, p.Pro683= (NM_001318832.2).
Identifiers: ClinVar variation 405969 (VCV000405969.16), dbSNP rs774517903, ClinGen allele CA035668.

ClinVar aggregate classification (germline): Benign/Likely benign. Review status: criteria provided, multiple submitters, no conflicts (2 of 4 stars). 5 submissions from 5 submitters: Benign (2); Likely benign (3). Last evaluated 2025-12-20.

Conditions:
Hereditary cancer-predisposing syndrome. Also called: Tumor predisposition; Neoplastic Syndromes, Hereditary; Hereditary Cancer Syndrome; Hereditary neoplastic syndrome. Identifiers: Orphanet 140162, MedGen C0027672, MeSH D009386, MONDO:0015356.
Tuberous sclerosis syndrome (TSC). Also called: Tuberous Sclerosis Complex; Tuberous sclerosis. Identifiers: Orphanet 805, MedGen C0041341, MONDO:0001734.
Tuberous sclerosis 2 (TSC2). Identifiers: Orphanet 805, MedGen C1860707, MONDO:0013199, OMIM 613254.

Allele frequency attached by ClinVar (database versions not stated): TOPMed below 0.00001.
gnomAD v4.1: 11 of 1,565,368 alleles (0.0007%); highest among the groups gnomAD compares: African/African-American, 0.0027%; no homozygotes.

Submissions (5):

Labcorp Genetics (formerly Invitae), Labcorp
Classification: Benign for Tuberous sclerosis 2. Last evaluated: 2025-12-20. Review status: criteria provided, single submitter. Criteria: Invitae Variant Classification Sherloc (09022015). Collection method: clinical testing. Allele origin: germline.

Myriad Genetics, Inc.
Classification: Benign for Tuberous sclerosis 2. Last evaluated: 2025-05-16. Review status: criteria provided, single submitter. Criteria: Myriad Autosomal Dominant, Autosomal Recessive and X-Linked Classification Criteria (2023). Collection method: clinical testing. Allele origin: unknown.
Comment: This variant is considered benign. This variant is a silent/synonymous amino acid change and it is not expected to impact splicing.

All of Us Research Program, National Institutes of Health
Classification: Likely benign for Tuberous sclerosis syndrome. Last evaluated: 2023-12-13. Review status: criteria provided, single submitter. Criteria: ACMG Guidelines, 2015. Collection method: clinical testing. Allele origin: germline. Inheritance: Autosomal dominant inheritance. Observed: 2 variant alleles, 2 heterozygotes.
Comment: This study involves interpretation of variants in research participants for the purpose of population health screening. Participant phenotype was not available at the time of variant classification. Additional details can be found in publication PMID: 35346344, PMCID: PMC8962531

Color Diagnostics, LLC DBA Color Health
Classification: Likely benign for Tuberous sclerosis syndrome. Last evaluated: 2022-09-23. Review status: criteria provided, single submitter. Criteria: ACMG Guidelines, 2015. Collection method: clinical testing. Allele origin: germline.

Ambry Genetics
Classification: Likely benign for Hereditary cancer-predisposing syndrome. Last evaluated: 2019-09-28. Review status: criteria provided, single submitter. Criteria: Ambry Variant Classification Scheme 2023. Collection method: clinical testing. Allele origin: germline.